The following is an entry in ClinVar:

ClinVar aggregate classification (germline): Uncertain significance (1 of 4 stars; one submission).

Conditions:
Familial adenomatous polyposis 1 (FAP1). Also called: POLYPOSIS, ADENOMATOUS INTESTINAL; FAMILIAL ADENOMATOUS POLYPOSIS 1, ATTENUATED. Identifiers: MedGen C2713442, MONDO:0021056, OMIM 175100. Disease mechanism: loss of function.

Submission:

Labcorp Genetics (formerly Invitae), Labcorp
Classification: Uncertain significance for Familial adenomatous polyposis 1. Last evaluated: 2019-06-04. Review status: criteria provided, single submitter. Criteria: Invitae Variant Classification Sherloc (09022015). Collection method: clinical testing. Allele origin: germline.
Comment: In summary, the available evidence is currently insufficient to determine the role of this variant in disease. Therefore, it has been classified as a Variant of Uncertain Significance. Algorithms developed to predict the effect of missense changes on protein structure and function output the following: SIFT: "Tolerated"; PolyPhen-2: "Benign"; Align-GVGD: "Class C0". The threonine amino acid residue is found in multiple mammalian species, suggesting that this missense change does not adversely affect protein function. These predictions have not been confirmed by published functional studies and their clinical significance is uncertain. This variant has not been reported in the literature in individuals with APC-related conditions. This variant is not present in population databases (ExAC no frequency). This sequence change replaces serine with threonine at codon 2601 of the APC protein (p.Ser2601Thr). The serine residue is weakly conserved and there is a small physicochemical difference between serine and threonine.

NM_000038.6(APC):c.7802G>C (p.Ser2601Thr)

Gene: APC (APC regulator of Wnt signaling pathway; plus strand). Cytogenetic location: 5q22.2.
Variant type: single nucleotide variant.
Coding change: c.7802G>C on transcript NM_000038.6 (MANE Select); coding-DNA position 7802, G replaced by C.
Protein change: p.Ser2601Thr; replaces serine 2601 with threonine.
Molecular consequence: missense variant.
Genome position (GRCh38, 1-based): chr5:112,843,396, G>C. VCF-style: chr5-112843396-G-C. GRCh37 (hg19) VCF-style: chr5-112179093-G-C.
Other names: c.7802G>C, p.Ser2601Thr (NM_001127510.3, NM_001354895.2); c.7748G>C, p.Ser2583Thr (NM_001127511.3); c.7856G>C, p.Ser2619Thr (NM_001354896.2); c.7832G>C, p.Ser2611Thr (NM_001354897.2); c.7727G>C, p.Ser2576Thr (NM_001354898.2); c.7718G>C, p.Ser2573Thr (NM_001354899.2); c.7679G>C, p.Ser2560Thr (NM_001354900.2); c.7625G>C, p.Ser2542Thr (NM_001354901.2); and 5 more; short protein forms S2583T, S2611T, S2500T, S2510T, S2601T, S2619T, S2318T, S2441T.
Identifiers: ClinVar variation 933245 (VCV000933245.11), dbSNP rs1554088668, ClinGen allele CA16038278.